The following is an entry in ClinVar:

ClinVar aggregate classification (germline): Pathogenic (1 of 4 stars; one submission).

Submission:

Quest Diagnostics Nichols Institute San Juan Capistrano
Classification: Pathogenic. Last evaluated: 2019-06-12. Review status: criteria provided, single submitter. Criteria: Quest Diagnostics criteria. Collection method: clinical testing. Allele origin: germline.
Comment: The variant results in a shift of the reading frame, and is therefore predicted to result in the loss of a functional protein. Found in at least one symptomatic patient, and not found in general population data.

NM_000059.4(BRCA2):c.7224del (p.Pro2409fs)

Gene: BRCA2 (BRCA2 DNA repair associated; plus strand). Cytogenetic location: 13q13.1.
Variant type: Deletion.
Coding change: c.7224del on transcript NM_000059.4 (MANE Select); coding-DNA position 7224, one base deleted (A; older notation c.7224delA).
Protein change: p.Pro2409fs; shifts the reading frame from proline 2409.
Molecular consequence: frameshift variant.
Genome position (GRCh38, 1-based): chr13:32,355,077, A deleted. VCF-style (leftmost placement, unchanged base first): chr13-32355076-CA-C. GRCh37 (hg19) VCF-style: chr13-32929213-CA-C.
Other names: short protein forms P2409fs.
Identifiers: ClinVar variation 801120 (VCV000801120.2), dbSNP rs1593918099, ClinGen allele CA915946864.
Genomic context (GRCh38, chr13:32,355,076, plus strand): 5'-CAAGAAATGAAAAAATGAGACACTTGATTACTACAGGCAGACCAACCAAAGTCTTTGTTC[CA>C]CCTTTTAAAACTAAATCACATTTTCACAGAGTTGAACAGTGTGTTAGGAATATTAACTTG-3'